The following is an entry in ClinVar:

ClinVar aggregate classification (germline): Uncertain significance. Review status: criteria provided, multiple submitters, no conflicts (2 of 4 stars). 2 submissions from 2 submitters: Uncertain significance (2). Last evaluated 2022-02-20.

Conditions:
Dilated cardiomyopathy 1G (CMD1G). Identifiers: Orphanet 154, MedGen C1858763, MONDO:0011400, OMIM 604145.
Autosomal recessive limb-girdle muscular dystrophy type 2J (LGMDR10). Also called: MUSCULAR DYSTROPHY, LIMB-GIRDLE, AUTOSOMAL RECESSIVE 10; Limb-girdle muscular dystrophy, type 2J. Identifiers: Orphanet 140922, MedGen C1837342, MONDO:0012127, OMIM 608807.

Submissions (2):

Labcorp Genetics (formerly Invitae), Labcorp
Classification: Uncertain significance for Dilated cardiomyopathy 1G; Autosomal recessive limb-girdle muscular dystrophy type 2J. Last evaluated: 2022-02-20. Review status: criteria provided, single submitter. Criteria: Invitae Variant Classification Sherloc (09022015). Collection method: clinical testing. Allele origin: germline.
Comment: This variant is not present in population databases (gnomAD no frequency). This sequence change replaces aspartic acid, which is acidic and polar, with tyrosine, which is neutral and polar, at codon 35035 of the TTN protein (p.Asp35035Tyr). This variant has not been reported in the literature in individuals affected with TTN-related conditions. ClinVar contains an entry for this variant (Variation ID: 203092). Experimental studies and prediction algorithms are not available or were not evaluated, and the functional significance of this variant is currently unknown. Algorithms developed to predict the effect of sequence changes on RNA splicing suggest that this variant may create or strengthen a splice site. This variant is located in the M band of TTN (PMID: 25589632). Variants in this region may be relevant for neuromuscular disorders, but have not been definitively shown to cause cardiomyopathy (PMID: 23975875). In summary, the available evidence is currently insufficient to determine the role of this variant in disease. Therefore, it has been classified as a Variant of Uncertain Significance.

GeneDx
Classification: Uncertain significance. Last evaluated: 2014-07-30. Review status: criteria provided, single submitter. Criteria: GeneDx Variant Classification (06012015). Collection method: clinical testing. Allele origin: germline. Affected: yes.
Comment: Missense variants in the TTN gene are considered 'unclassified' if they are not previously reported in the literature and do not have >1% frequency in the population to be considered a polymorphism. Research indicates that truncating mutations in the TTN gene are expected to account for approximately 25% of familial and 18% of sporadic idiopathic DCM; however, truncating variants in the TTN gene have been reported in approximately 3% of reported control alleles. There has been little investigation into non-truncating variants. (Herman D et al. Truncations of titin causing dilated cardiomyopathy. N Eng J Med 366:619-628, 2012) The variant is found in DCM-CRDM panel(s).

Literature cited by the submitters: PubMed 25589632 (cited by Labcorp Genetics (formerly Invitae), Labcorp); PubMed 23975875 (cited by Labcorp Genetics (formerly Invitae), Labcorp).

NM_001267550.2(TTN):c.105103G>T (p.Asp35035Tyr)

Genes: TTN (titin; minus strand), TTN-AS1 (TTN antisense RNA 1; plus strand). Cytogenetic location: 2q31.2.
Variant type: single nucleotide variant.
Coding change: c.105103G>T on transcript NM_001267550.2 (MANE Select); coding-DNA position 105103, G replaced by T.
Protein change: p.Asp35035Tyr; replaces aspartic acid 35035 with tyrosine.
Molecular consequence: missense variant.
Genome position (GRCh38, 1-based): chr2:178,531,512, C>A on the plus strand (G>T on the coding strand, the complement: TTN is on the minus strand). VCF-style: chr2-178531512-C-A. GRCh37 (hg19) VCF-style: chr2-179396239-C-A.
Other names: p.D33394Y:GAT>TAT; c.100180G>T, p.Asp33394Tyr (NM_001256850.1); c.77908G>T, p.Asp25970Tyr (NM_003319.4); c.97399G>T, p.Asp32467Tyr (NM_133378.4); c.78283G>T, p.Asp26095Tyr (NM_133432.3); c.78484G>T, p.Asp26162Tyr (NM_133437.4); short protein forms D33394Y, D35035Y, D26162Y, D26095Y, D25970Y, D32467Y.
Identifiers: ClinVar variation 203092 (VCV000203092.8), dbSNP rs794729567, ClinGen allele CA311214.